The following is an entry in ClinVar:

ClinVar aggregate classification (germline): Uncertain significance (1 of 4 stars; one submission).

Submission:

Labcorp Genetics (formerly Invitae), Labcorp
Classification: Uncertain significance. Last evaluated: 2024-04-05. Review status: criteria provided, single submitter. Criteria: Invitae Variant Classification Sherloc (09022015). Collection method: clinical testing. Allele origin: germline.
Comment: This sequence change replaces phenylalanine, which is neutral and non-polar, with leucine, which is neutral and non-polar, at codon 238 of the CA4 protein (p.Phe238Leu). This variant is not present in population databases (gnomAD no frequency). This variant has not been reported in the literature in individuals affected with CA4-related conditions. ClinVar contains an entry for this variant (Variation ID: 2054774). Advanced modeling of protein sequence and biophysical properties (such as structural, functional, and spatial information, amino acid conservation, physicochemical variation, residue mobility, and thermodynamic stability) has been performed at Invitae for this missense variant, however the output from this modeling did not meet the statistical confidence thresholds required to predict the impact of this variant on CA4 protein function. In summary, the available evidence is currently insufficient to determine the role of this variant in disease. Therefore, it has been classified as a Variant of Uncertain Significance.

NM_000717.5(CA4):c.714C>G (p.Phe238Leu)

Gene: CA4 (carbonic anhydrase 4; plus strand). Cytogenetic location: 17q23.1.
Variant type: single nucleotide variant.
Coding change: c.714C>G on transcript NM_000717.5 (MANE Select); coding-DNA position 714, C replaced by G.
Protein change: p.Phe238Leu; replaces phenylalanine 238 with leucine.
Molecular consequence: missense variant. On other transcripts: non-coding transcript variant (1).
Genome position (GRCh38, 1-based): chr17:60,158,416, C>G. VCF-style: chr17-60158416-C-G. GRCh37 (hg19) VCF-style: chr17-58235777-C-G.
Other names: short protein forms F238L.
Identifiers: ClinVar variation 2054774 (VCV002054774.4), dbSNP rs2544524646, ClinGen allele CA400459914.